The following is an entry in ClinVar:

ClinVar aggregate classification (germline): Uncertain significance (1 of 4 stars; one submission).

Conditions:
BRF1-related disorder. Also called: BRF1-related condition.

gnomAD v4.1: 1 of 1,612,050 alleles (0.000062%); highest among the groups gnomAD compares: Non-Finnish European, 0.000085%; no homozygotes.

Submission:

PreventionGenetics, part of Exact Sciences
Classification: Uncertain significance for BRF1-related condition. Last evaluated: 2026-02-16. Review status: criteria provided, single submitter. Criteria: ACMG Guidelines, 2015. Collection method: clinical testing. Allele origin: germline.
Comment: The BRF1 c.1384C>G variant is predicted to result in the amino acid substitution p.Leu462Val. To our knowledge, this variant has not been reported in the literature or in a large population database (gnomAD), indicating this variant is rare. At this time, the clinical significance of this variant is uncertain due to the absence of conclusive functional and genetic evidence.

NM_001519.4(BRF1):c.1384C>G (p.Leu462Val)

Gene: BRF1 (BRF1 general transcription factor IIIB subunit; minus strand). Cytogenetic location: 14q32.33.
Variant type: single nucleotide variant.
Coding change: c.1384C>G on transcript NM_001519.4 (MANE Select); coding-DNA position 1384, C replaced by G.
Protein change: p.Leu462Val; replaces leucine 462 with valine.
Molecular consequence: missense variant.
Genome position (GRCh38, 1-based): chr14:105,219,226, G>C on the plus strand (C>G on the coding strand, the complement: BRF1 is on the minus strand). VCF-style: chr14-105219226-G-C. GRCh37 (hg19) VCF-style: chr14-105685563-G-C.
Other names: c.1105C>G, p.Leu369Val (NM_001242786.2); c.1039C>G, p.Leu347Val (NM_001242787.2); c.1303C>G, p.Leu435Val (NM_001242788.2); c.670C>G, p.Leu224Val (NM_001242789.2); c.1381C>G, p.Leu461Val (NM_001440449.1); c.1234C>G, p.Leu412Val (NM_001440450.1); c.889C>G, p.Leu297Val (NM_001440451.1); c.871C>G, p.Leu291Val (NM_001440452.1); and 3 more; short protein forms L224V, L258V, L291V, L297V, L461V, L290V, L347V, L369V.
Identifiers: ClinVar variation 4994880 (VCV004994880.1).